The following is an entry in ClinVar:

ClinVar aggregate classification (germline): Uncertain significance (1 of 4 stars; one submission).

gnomAD v4.1: 10 of 1,614,106 alleles (0.00062%); highest among the groups gnomAD compares: Admixed American, 0.0017%; no homozygotes.

Submission:

Labcorp Genetics (formerly Invitae), Labcorp
Classification: Uncertain significance. Last evaluated: 2024-06-02. Review status: criteria provided, single submitter. Criteria: Invitae Variant Classification Sherloc (09022015). Collection method: clinical testing. Allele origin: germline.
Comment: This sequence change replaces valine, which is neutral and non-polar, with leucine, which is neutral and non-polar, at codon 108 of the DLC1 protein (p.Val108Leu). This variant is present in population databases (rs752829464, gnomAD 0.003%). This variant has not been reported in the literature in individuals affected with DLC1-related conditions. An algorithm developed to predict the effect of missense changes on protein structure and function (PolyPhen-2) suggests that this variant is likely to be disruptive. In summary, the available evidence is currently insufficient to determine the role of this variant in disease. Therefore, it has been classified as a Variant of Uncertain Significance.

NM_182643.3(DLC1):c.322G>C (p.Val108Leu)

Gene: DLC1 (DLC1 Rho GTPase activating protein; minus strand). Cytogenetic location: 8p22.
Variant type: single nucleotide variant.
Coding change: c.322G>C on transcript NM_182643.3 (MANE Select); coding-DNA position 322, G replaced by C.
Protein change: p.Val108Leu; replaces valine 108 with leucine.
Molecular consequence: missense variant. On other transcripts: 5 prime UTR variant (1).
Genome position (GRCh38, 1-based): chr8:13,499,750, C>G on the plus strand (G>C on the coding strand, the complement: DLC1 is on the minus strand). VCF-style: chr8-13499750-C-G. GRCh37 (hg19) VCF-style: chr8-13357259-C-G.
Other names: c.322G>C, p.Val108Leu (NM_024767.5, NM_001348081.2, NM_001413124.1 and 1 more transcripts); c.-1130G>C (NM_001348082.2); short protein forms V108L.
Identifiers: ClinVar variation 3683580 (VCV003683580.2).
Genomic context (GRCh38, chr8:13,499,750, plus strand): 5'-AAACCTGTTTATCATCTGTAAGGCATAAATCAGCATTGTTATCCTCATCAGAAACATGCA[C>G]TAGTGTTTCTGTGCTGGCTTCCAGAGAAAGAAACTGATCTTCACCTTCATGGCTGTCATT-3'
Protein context (NP_872584.2, residues 98-118): LSLEASTETL[Val108Leu]HVSDEDNNAD